The following is an entry in ClinVar:

ClinVar aggregate classification (germline): Uncertain significance (1 of 4 stars; one submission).

Conditions:
Arrhythmogenic right ventricular dysplasia 9 (ARVD9). Also called: Arrhythmogenic Right Ventricular Dysplasia/Cardiomyopathy 9; ARRHYTHMOGENIC RIGHT VENTRICULAR DYSPLASIA, FAMILIAL, 9. Identifiers: MedGen C1836906, MONDO:0012180, OMIM 609040.

Submission:

Labcorp Genetics (formerly Invitae), Labcorp
Classification: Uncertain significance for Arrhythmogenic right ventricular dysplasia 9. Last evaluated: 2025-03-16. Review status: criteria provided, single submitter. Criteria: Invitae Variant Classification Sherloc (09022015). Collection method: clinical testing. Allele origin: germline.
Comment: This sequence change replaces serine, which is neutral and polar, with isoleucine, which is neutral and non-polar, at codon 29 of the PKP2 protein (p.Ser29Ile). This variant is not present in population databases (gnomAD no frequency). This variant has not been reported in the literature in individuals affected with PKP2-related conditions. An algorithm developed to predict the effect of missense changes on protein structure and function (PolyPhen-2) suggests that this variant is likely to be disruptive. In summary, the available evidence is currently insufficient to determine the role of this variant in disease. Therefore, it has been classified as a Variant of Uncertain Significance.

NM_001005242.3(PKP2):c.86G>T (p.Ser29Ile)

Gene: PKP2 (plakophilin 2; minus strand). Cytogenetic location: 12p11.21.
Variant type: single nucleotide variant.
Coding change: c.86G>T on transcript NM_001005242.3 (MANE Select); coding-DNA position 86, G replaced by T.
Protein change: p.Ser29Ile; replaces serine 29 with isoleucine.
Molecular consequence: missense variant. On other transcripts: 5 prime UTR variant (4).
Genome position (GRCh38, 1-based): chr12:32,896,646, C>A on the plus strand (G>T on the coding strand, the complement: PKP2 is on the minus strand). VCF-style: chr12-32896646-C-A. GRCh37 (hg19) VCF-style: chr12-33049580-C-A.
Other names: c.86G>T, p.Ser29Ile (NM_001407155.1, NM_001407156.1, NM_001407157.1 and 2 more transcripts); c.-741G>T (NM_001407158.1, NM_001407162.1); c.-505G>T (NM_001407159.1, NM_001407160.1); short protein forms S29I.
Identifiers: ClinVar variation 4691863 (VCV004691863.1).